The following is an entry in ClinVar:

NM_206933.4(USH2A):c.4983T>C (p.Asp1661=)

Genes: USH2A (usherin; minus strand), USH2A-AS2 (USH2A antisense RNA 2; plus strand). Cytogenetic location: 1q41.
Variant type: single nucleotide variant.
Coding change: c.4983T>C on transcript NM_206933.4 (MANE Select); coding-DNA position 4983, T replaced by C.
Protein change: p.Asp1661=; no amino-acid change (aspartic acid 1661 retained).
Molecular consequence: synonymous variant. On other transcripts: non-coding transcript variant (2).
Genome position (GRCh38, 1-based): chr1:216,086,723, A>G on the plus strand (T>C on the coding strand, the complement: USH2A is on the minus strand). VCF-style: chr1-216086723-A-G. GRCh37 (hg19) VCF-style: chr1-216260065-A-G.
Identifiers: ClinVar variation 48524 (VCV000048524.38), dbSNP rs111033532, ClinGen allele CA143503.
Genomic context (GRCh38, chr1:216,086,723, plus strand): 5'-AACAGGTTCTATTCTAAGTTTGGATGACAACATATAATATACCTTACTAAACTCACCAGG[A>G]TCCTTCCTGAGGATGGTATAACTTCGCGGGAGCCCTCCCAGAAAGACTCCTGTGTTATCT-3'
Protein context (NP_996816.3, residues 1651-1671): LPRSYTILRK[Asp1661=]PEIIQKGFVG

ClinVar aggregate classification (germline): Likely benign. Review status: criteria provided, multiple submitters, no conflicts (2 of 4 stars). 6 submissions from 5 submitters: Likely benign (5). 1 of the submissions does not count toward it. Last evaluated 2025-07-07.

Conditions:
Retinitis pigmentosa 39 (RP39). Identifiers: Orphanet 791, MedGen C3151138, MONDO:0013436, OMIM 613809.
Usher syndrome type 2A. Also called: USHER SYNDROME, TYPE IIA; RETINAL DISEASE IN USHER SYNDROME TYPE IIA, MODIFIER OF. Identifiers: Orphanet 231178, Orphanet 886, MedGen C1848634, MONDO:0010169, OMIM 276901.

Allele frequency attached by ClinVar (database versions not stated): ESP Exome Variant Server 0.00008; gnomAD 0.00001 and 0.00002; gnomAD exomes 0.00002; TOPMed 0.00002; ExAC 0.00003.
gnomAD v4.1: 19 of 1,611,450 alleles (0.0012%); highest among the groups gnomAD compares: Non-Finnish European, 0.0015%; no homozygotes.

Submissions (6):

Labcorp Genetics (formerly Invitae), Labcorp
Classification: Likely benign. Last evaluated: 2025-07-07. Review status: criteria provided, single submitter. Criteria: Invitae Variant Classification Sherloc (09022015). Collection method: clinical testing. Allele origin: germline.

Genome-Nilou Lab
Classification: Likely benign for Retinitis pigmentosa 39. Last evaluated: 2023-11-04. Review status: criteria provided, single submitter. Criteria: ACMG Guidelines, 2015. Collection method: clinical testing. Allele origin: germline. Affected: no.

Genome-Nilou Lab
Classification: Likely benign for Usher syndrome type 2A. Last evaluated: 2023-11-04. Review status: criteria provided, single submitter. Criteria: ACMG Guidelines, 2015. Collection method: clinical testing. Allele origin: germline. Affected: no.

CeGaT Center for Human Genetics Tuebingen
Classification: Likely benign. Last evaluated: 2023-04-01. Review status: criteria provided, single submitter. Criteria: CeGaT Center For Human Genetics Tuebingen Variant Classification Criteria Version 2. Collection method: clinical testing. Allele origin: germline. Affected: yes. Observed: 1 variant allele.
Comment: USH2A: BP4, BP7

Laboratory for Molecular Medicine, Mass General Brigham Personalized Medicine
Classification: Likely benign. Last evaluated: 2015-06-08. Review status: criteria provided, single submitter. Criteria: LMM Criteria. Collection method: clinical testing. Allele origin: germline. Observed: 2 variant alleles.
Comment: p.Asp1661Asp in exon 24 of USH2A: This variant is not expected to have clinical significance because it does not alter an amino acid residue and is not located within the splice consensus sequence. It has been identified in 1/9750 African c hromosomes by the Exome Aggregation Consortium (ExAC .org; dbSNP rs111033532).

Counsyl
Classification: Likely benign for Usher syndrome type 2A; Retinitis pigmentosa 39. Last evaluated: 2017-09-28. Review status: no assertion criteria provided. Collection method: clinical testing. Allele origin: unknown. Not counted in ClinVar's aggregate classification.